The following is an entry in ClinVar:

ClinVar aggregate classification (germline): Uncertain significance. Review status: criteria provided, multiple submitters, no conflicts (2 of 4 stars). 2 submissions from 2 submitters: Uncertain significance (2). Last evaluated 2023-03-27.

Conditions:
Ataxia-telangiectasia syndrome (AT). Also called: AT, COMPLEMENTATION GROUP C; Ataxia telangiectasia (A-T); Cerebello-oculocutaneous telangiectasia; Immunodeficiency with ataxia telangiectasia; LOUIS-BAR SYNDROME; Ataxia-telangiectasia. Identifiers: Orphanet 100, MedGen C0004135, MONDO:0008840, OMIM 208900.
Hereditary cancer-predisposing syndrome. Also called: Hereditary neoplastic syndrome; Tumor predisposition; Neoplastic Syndromes, Hereditary; Hereditary Cancer Syndrome. Identifiers: Orphanet 140162, MedGen C0027672, MeSH D009386, MONDO:0015356.

Submissions (2):

Ambry Genetics
Classification: Uncertain significance for Hereditary cancer-predisposing syndrome. Last evaluated: 2023-03-27. Review status: criteria provided, single submitter. Criteria: Ambry Variant Classification Scheme 2023. Collection method: clinical testing. Allele origin: germline.
Comment: The p.L1444Q variant (also known as c.4331T>A), located in coding exon 28 of the ATM gene, results from a T to A substitution at nucleotide position 4331. The leucine at codon 1444 is replaced by glutamine, an amino acid with dissimilar properties. This amino acid position is conserved. In addition, the in silico prediction for this alteration is inconclusive. Since supporting evidence is limited at this time, the clinical significance of this alteration remains unclear.

Labcorp Genetics (formerly Invitae), Labcorp
Classification: Uncertain significance for Ataxia-telangiectasia syndrome. Last evaluated: 2019-09-09. Review status: criteria provided, single submitter. Criteria: Invitae Variant Classification Sherloc (09022015). Collection method: clinical testing. Allele origin: germline.
Comment: This sequence change replaces leucine with glutamine at codon 1444 of the ATM protein (p.Leu1444Gln). The leucine residue is moderately conserved and there is a moderate physicochemical difference between leucine and glutamine. This variant is not present in population databases (ExAC no frequency). This variant has not been reported in the literature in individuals with ATM-related conditions. Algorithms developed to predict the effect of missense changes on protein structure and function (SIFT, PolyPhen-2, Align-GVGD) all suggest that this variant is likely to be disruptive, but these predictions have not been confirmed by published functional studies and their clinical significance is uncertain. Algorithms developed to predict the effect of sequence changes on RNA splicing suggest that this variant may create or strengthen a splice site, but this prediction has not been confirmed by published transcriptional studies. In summary, the available evidence is currently insufficient to determine the role of this variant in disease. Therefore, it has been classified as a Variant of Uncertain Significance.

NM_000051.4(ATM):c.4331T>A (p.Leu1444Gln)

Gene: ATM (ATM serine/threonine kinase; plus strand). Cytogenetic location: 11q22.3.
Variant type: single nucleotide variant.
Coding change: c.4331T>A on transcript NM_000051.4 (MANE Select); coding-DNA position 4331, T replaced by A.
Protein change: p.Leu1444Gln; replaces leucine 1444 with glutamine.
Molecular consequence: missense variant.
Genome position (GRCh38, 1-based): chr11:108,289,696, T>A. VCF-style: chr11-108289696-T-A. GRCh37 (hg19) VCF-style: chr11-108160423-T-A.
Other names: c.4331T>A, p.Leu1444Gln (NM_001351834.2); short protein forms L1444Q.
Identifiers: ClinVar variation 961000 (VCV000961000.3), dbSNP rs2082676298, ClinGen allele CA382531903.